The following continues an entry in ClinVar:

NM_000518.5(HBB):c.112del (p.Trp38fs)

ClinVar aggregate classification (germline): Pathogenic. Pathogenic (14).

Submissions 12 to 16 of 16:

Clinical Genetics and Genomics, Karolinska University Hospital
Classification: Pathogenic. Last evaluated: 2017-09-20. Review status: criteria provided, single submitter. Criteria: ACMG Guidelines, 2015. Collection method: clinical testing. Allele origin: germline. Affected: yes. Observed: 3 variant alleles.

Baylor Genetics
Classification: Pathogenic for Hb SS disease. Review status: criteria provided, single submitter. Criteria: ACMG Guidelines, 2015. Collection method: clinical testing. Allele origin: germline.

Kariminejad - Najmabadi Pathology & Genetics Center
Classification: Pathogenic for Hb SS disease. Review status: criteria provided, single submitter. Criteria: ACMG Guidelines, 2015. Collection method: clinical testing. Allele origin: germline. Affected: no.

The ITHANET community portal, The Cyprus Institute of Neurology and Genetics
Classification: Pathogenic for beta Thalassemia. Last evaluated: 2019-11-25. Review status: no assertion criteria provided. Collection method: curation. Allele origin: germline. Not counted in ClinVar's aggregate classification.

OMIM
Classification: Pathogenic for BETA-ZERO-THALASSEMIA. Last evaluated: 1991-01-01. Review status: no assertion criteria provided. Collection method: literature only. Allele origin: germline. Not counted in ClinVar's aggregate classification.

Literature cited by the submitters: PubMed 23637309 (cited by Quest Diagnostics Nichols Institute San Juan Capistrano and Labcorp Genetics (formerly Invitae), Labcorp); PubMed 9140720 (cited by Quest Diagnostics Nichols Institute San Juan Capistrano and Women's Health and Genetics/Laboratory Corporation of America, LabCorp); PubMed 32190157 (cited by Quest Diagnostics Nichols Institute San Juan Capistrano); PubMed 20395516 (cited by Quest Diagnostics Nichols Institute San Juan Capistrano); PubMed 31134759 (cited by Quest Diagnostics Nichols Institute San Juan Capistrano); PubMed 30249157 (cited by Quest Diagnostics Nichols Institute San Juan Capistrano); PubMed 25480500 (cited by Quest Diagnostics Nichols Institute San Juan Capistrano); PubMed 26084319 (cited by Quest Diagnostics Nichols Institute San Juan Capistrano); PubMed 25016698 (cited by Quest Diagnostics Nichols Institute San Juan Capistrano); PubMed 39359944 (cited by Quest Diagnostics Nichols Institute San Juan Capistrano); PubMed 1986379 (cited by 6 submitters); PubMed 2197725 (cited by Quest Diagnostics Nichols Institute San Juan Capistrano); PubMed 28391758 (cited by 3 submitters); PubMed 33335418 (cited by Natera, Inc. and Laboratory for Molecular Medicine, Mass General Brigham Personalized Medicine); PubMed 25825561 (cited by Natera, Inc.); PubMed 17654071 (cited by Laboratory for Molecular Medicine, Mass General Brigham Personalized Medicine); PubMed 11300348 (cited by Laboratory for Molecular Medicine, Mass General Brigham Personalized Medicine); PubMed 32869674 (cited by Laboratory for Molecular Medicine, Mass General Brigham Personalized Medicine); PubMed 31411089 (cited by Laboratory for Molecular Medicine, Mass General Brigham Personalized Medicine); PubMed 32664780 (cited by Laboratory for Molecular Medicine, Mass General Brigham Personalized Medicine); PubMed 9401495 (cited by Women's Health and Genetics/Laboratory Corporation of America, LabCorp); PubMed 8718703 (cited by The ITHANET community portal, The Cyprus Institute of Neurology and Genetics); Rund, D., Filon, D., Rachmilewitz, E. A., Cohen, T., Dowling, C., Kazazian, H. H., Oppenheim, A. Molecular analysis of beta-thalassemia in Kurdish Jews: novel mutations and expression studies. (Abstract) Blood 74 (suppl. 1): 220a, 1989. (cited by OMIM).